The following is an entry in ClinVar:

NM_139125.4(MASP1):c.1273T>C (p.Leu425=)

Gene: MASP1 (MBL associated serine protease 1; minus strand). Cytogenetic location: 3q27.3.
Variant type: single nucleotide variant.
Coding change: c.1273T>C on transcript NM_139125.4 (MANE Select); coding-DNA position 1273, T replaced by C.
Protein change: p.Leu425=; no amino-acid change (leucine 425 retained).
Molecular consequence: synonymous variant. On other transcripts: non-coding transcript variant (1).
Genome position (GRCh38, 1-based): chr3:187,241,511, A>G on the plus strand (T>C on the coding strand, the complement: MASP1 is on the minus strand). VCF-style: chr3-187241511-A-G. GRCh37 (hg19) VCF-style: chr3-186959299-A-G.
Other names: c.1273T>C, p.Leu425= (NM_001879.6).
Identifiers: ClinVar variation 3026277 (VCV003026277.22), dbSNP rs370658690, ClinGen allele CA2749305.

ClinVar aggregate classification (germline): Likely benign (1 of 4 stars; one submission).

Allele frequency attached by ClinVar (database versions not stated): gnomAD exomes 0.00002; ExAC 0.00006; ESP Exome Variant Server 0.00008; gnomAD 0.00008; TOPMed 0.00008.
gnomAD v4.1: 39 of 1,613,720 alleles (0.0024%); highest among the groups gnomAD compares: African/African-American, 0.019%; no homozygotes.

Submission:

CeGaT Center for Human Genetics Tuebingen
Classification: Likely benign. Last evaluated: 2024-01-01. Review status: criteria provided, single submitter. Criteria: CeGaT Center For Human Genetics Tuebingen Variant Classification Criteria Version 2. Collection method: clinical testing. Allele origin: germline. Affected: yes. Observed: 1 variant allele.
Comment: MASP1: BP4, BP7